The following is an entry in ClinVar:

ClinVar aggregate classification (germline): Likely pathogenic (1 of 4 stars; one submission).

Conditions:
Autosomal recessive limb-girdle muscular dystrophy type 2I. Also called: MUSCULAR DYSTROPHY-DYSTROGLYCANOPATHY (LIMB-GIRDLE), TYPE C, 5; MUSCULAR DYSTROPHY-DYSTROGLYCANOPATHY, LIMB-GIRDLE, FRKP-RELATED; MUSCULAR DYSTROPHY, LIMB-GIRDLE, TYPE 2I. Identifiers: Orphanet 34515, MedGen C1846672, MONDO:0011787, OMIM 607155.

Submission:

Natera, Inc.
Classification: Likely pathogenic for Limb-girdle muscular dystrophy type 2I. Last evaluated: 2024-08-20. Review status: criteria provided, single submitter. Criteria: Natera Variant Classification Schema (03/2026). Collection method: clinical testing. Allele origin: germline.
Comment: The c.928_931del variant in FKRP is a frameshift variant predicted to shift the reading frame beginning at codon 310 and leads to a stop codon 117 codons downstream. This variant is expected to result in nonsense mediated decay, truncation, or a dysfunctional protein product. This variant is rare in the general population with a frequency below the threshold expected for the associated phenotype(s). Given the available evidence, this variant is classified as Likely Pathogenic.

NM_024301.5(FKRP):c.928_931del (p.Glu310fs)

Gene: FKRP (fukutin related protein; plus strand). Cytogenetic location: 19q13.32.
Variant type: Deletion.
Coding change: c.928_931del on transcript NM_024301.5 (MANE Select); coding-DNA positions 928 to 931, 4 bases deleted (GAGG; older notation c.928_931delGAGG).
Protein change: p.Glu310fs; shifts the reading frame from glutamic acid 310.
Molecular consequence: frameshift variant.
Genome position (GRCh38, 1-based): chr19:46,756,378-46,756,381, GAGG deleted. VCF-style (leftmost placement, unchanged base first): chr19-46756377-CGAGG-C. GRCh37 (hg19) VCF-style: chr19-47259634-CGAGG-C.
Other names: c.928_931del, p.Glu310fs (NM_001039885.3); short protein forms E310fs.
Identifiers: ClinVar variation 4816133 (VCV004816133.1).